The following is an entry in ClinVar:

ClinVar aggregate classification (germline): Conflicting classifications of pathogenicity. Review status: criteria provided, conflicting classifications (1 of 4 stars). 4 submissions from 4 submitters: Uncertain significance (2); Benign (1); Likely benign (1). Last evaluated 2025-04-29.

Conditions:
Hereditary spastic paraplegia 39 (SPG39). Also called: SPASTIC PARAPLEGIA 39, AUTOSOMAL RECESSIVE; Spastic Paraplegia Type 39 (SPG39). Identifiers: Orphanet 139480, MedGen C2677586, MONDO:0012787, OMIM 612020.

Allele frequency attached by ClinVar (database versions not stated): gnomAD exomes 0.00014 and 0.00033; gnomAD 0.00018; ExAC 0.00021; ESP Exome Variant Server 0.00023; TOPMed 0.00023.
gnomAD v4.1: 250 of 1,601,956 alleles (0.016%); highest among the groups gnomAD compares: Admixed American, 0.005%; no homozygotes.

Submissions (5):

Labcorp Genetics (formerly Invitae), Labcorp
Classification: Benign for Hereditary spastic paraplegia 39. Last evaluated: 2025-04-29. Review status: criteria provided, single submitter. Criteria: Invitae Variant Classification Sherloc (09022015). Collection method: clinical testing. Allele origin: germline.

Blueprint Genetics
Classification: Likely benign. Last evaluated: 2024-05-23. Review status: criteria provided, single submitter. Criteria: ACMG Guidelines, 2015. Collection method: clinical testing. Allele origin: germline.

GeneDx
Classification: Uncertain significance. Last evaluated: 2023-04-25. Review status: criteria provided, single submitter. Criteria: GeneDx Variant Classification Process June 2021. Collection method: clinical testing. Allele origin: germline. Affected: yes.
Comment: In silico analysis supports a deleterious effect on splicing; Has not been previously published as pathogenic or benign to our knowledge

Illumina Laboratory Services, Illumina
Classification: Uncertain significance for Hereditary spastic paraplegia 39. Last evaluated: 2018-01-13. Review status: criteria provided, single submitter. Criteria: ICSL Variant Classification Criteria 13 December 2019. Collection method: clinical testing. Allele origin: germline.

Dr. Peter K. Rogan Lab, Western University
No classification provided (evidence only). Condition: Cholangiocarcinoma. Review status: no classification provided. Collection method: in vitro. Allele origin: not applicable. Functional consequence: retained intron. Not counted in ClinVar's aggregate classification.

NM_001166114.2(PNPLA6):c.714+6T>G

Gene: PNPLA6 (patatin like domain 6, lysophospholipase; plus strand). Cytogenetic location: 19p13.2.
Variant type: single nucleotide variant.
Coding change: c.714+6T>G on transcript NM_001166114.2 (MANE Select); 6 bases into the intron after coding-DNA position 714, T replaced by G.
Molecular consequence: intron variant.
Genome position (GRCh38, 1-based): chr19:7,540,314, T>G. VCF-style: chr19-7540314-T-G. GRCh37 (hg19) VCF-style: chr19-7605200-T-G.
Other names: c.597+6T>G (NM_006702.5, NM_001166112.2, NM_001166113.1); c.741+6T>G (NM_001166111.2).
Identifiers: ClinVar variation 330517 (VCV000330517.17), dbSNP rs368637145, ClinGen allele CA9139534.